The following is an entry in ClinVar:

ClinVar aggregate classification (germline): Uncertain significance (1 of 4 stars; one submission).

Conditions:
Hereditary cancer-predisposing syndrome. Also called: Neoplastic Syndromes, Hereditary; Tumor predisposition; Hereditary Cancer Syndrome; Hereditary neoplastic syndrome. Identifiers: Orphanet 140162, MedGen C0027672, MeSH D009386, MONDO:0015356.

Submission:

Ambry Genetics
Classification: Uncertain significance for Hereditary cancer-predisposing syndrome. Last evaluated: 2022-07-06. Review status: criteria provided, single submitter. Criteria: Ambry Variant Classification Scheme 2023. Collection method: clinical testing. Allele origin: germline.
Comment: The p.A22T variant (also known as c.64G>A), located in coding exon 1 of the BRCA2 gene, results from a G to A substitution at nucleotide position 64. The alanine at codon 22 is replaced by threonine, an amino acid with similar properties. In one study, this variant was observed in 1/1525 unrelated patients who had BRCA1/2 genetic testing due to a personal and/or family history suspicious for Hereditary Breast and/or Ovarian Cancer syndrome (Caux-Moncoutier V et al. Hum Mutat, 2011 Mar;32:325-34). This amino acid position is well conserved in available vertebrate species. In addition, this alteration is predicted to be tolerated by in silico analysis. Since supporting evidence is limited at this time, the clinical significance of this alteration remains unclear.

Literature cited by the submitters: PubMed 21120943.

NM_000059.4(BRCA2):c.64G>A (p.Ala22Thr)

Gene: BRCA2 (BRCA2 DNA repair associated; plus strand). Cytogenetic location: 13q13.1.
Variant type: single nucleotide variant.
Coding change: c.64G>A on transcript NM_000059.4 (MANE Select); coding-DNA position 64, G replaced by A.
Protein change: p.Ala22Thr; replaces alanine 22 with threonine.
Molecular consequence: missense variant.
Genome position (GRCh38, 1-based): chr13:32,316,524, G>A. VCF-style: chr13-32316524-G-A. GRCh37 (hg19) VCF-style: chr13-32890661-G-A.
Other names: c.64G>A, p.Ala22Thr (NM_001406719.1, NM_001406720.1, NM_001406721.1); short protein forms A22T.
Identifiers: ClinVar variation 1753899 (VCV001753899.2), dbSNP rs2138698595, ClinGen allele CA387753111.